The following is an entry in ClinVar:

NM_007294.4(BRCA1):c.3513G>A (p.Lys1171=)

Genes: BRCA1 (BRCA1 DNA repair associated; minus strand), LOC126862571 (BRD4-independent group 4 enhancer GRCh37_chr17:41243136-41244335; plus strand). Cytogenetic location: 17q21.31.
Variant type: single nucleotide variant.
Coding change: c.3513G>A on transcript NM_007294.4 (MANE Select); coding-DNA position 3513, G replaced by A.
Protein change: p.Lys1171=; no amino-acid change (lysine 1171 retained).
Molecular consequence: synonymous variant. On other transcripts: intron variant (135).
Genome position (GRCh38, 1-based): chr17:43,092,018, C>T on the plus strand (G>A on the coding strand, the complement: BRCA1 is on the minus strand). VCF-style: chr17-43092018-C-T. GRCh37 (hg19) VCF-style: chr17-41244035-C-T.
Other names: c.3513G>A, p.Lys1171= (NM_001407616.1, NM_001407617.1, NM_001407618.1 and 30 more transcripts); c.3510G>A, p.Lys1170= (NM_001407627.1, NM_001407628.1, NM_001407629.1 and 22 more transcripts); c.3504G>A, p.Lys1168= (NM_001407646.1, NM_001407647.1); c.3390G>A, p.Lys1130= (NM_001407648.1, NM_001407664.1, NM_001407665.1 and 19 more transcripts); c.3387G>A, p.Lys1129= (NM_001407649.1, NM_001407670.1, NM_001407671.1 and 11 more transcripts); c.3435G>A, p.Lys1145= (NM_001407653.1, NM_001407654.1, NM_001407655.1 and 4 more transcripts); c.3432G>A, p.Lys1144= (NM_001407659.1, NM_001407660.1, NM_001407661.1 and 1 more transcripts); c.3372G>A, p.Lys1124= (NM_001407692.1, NM_001407694.1, NM_001407695.1 and 29 more transcripts); and 41 more.
Identifiers: ClinVar variation 186299 (VCV000186299.15), dbSNP rs786202844, ClinGen allele CA002256.
Genomic context (GRCh38, chr17:43,092,018, plus strand): 5'-GCTAGGACTCCTGCTAAGCTCTCCTTTCTGGACGCTTTTGCTAAAAACAGCAGAACTTTC[C>T]TTAATGTCATTTTCAGCAAAACTAGTATCTTCCTTTATTTCACCATCATCTAACAGGTCA-3'
Protein context (NP_009225.1, residues 1161-1181): EDTSFAENDI[Lys1171=]ESSAVFSKSV

ClinVar aggregate classification (germline): Likely benign. Review status: reviewed by expert panel (3 of 4 stars). 5 submissions from 5 submitters: Likely benign (1). 4 of the submissions do not count toward it. Last evaluated 2017-06-29.

Conditions:
Hereditary breast ovarian cancer syndrome. Also called: Hereditary breast and ovarian cancer syndrome; Hereditary breast and ovarian cancer syndrome (HBOC); BRCA1- and BRCA2-Associated Hereditary Breast and Ovarian Cancer; Breast and ovarian cancer; Hereditary breast and ovarian cancer; Hereditary breast and/or ovarian cancer syndrome. Identifiers: Orphanet 145, MedGen C0677776, MeSH D061325, MONDO:0003582. Disease mechanism: loss of function.
Hereditary cancer-predisposing syndrome. Also called: Hereditary Cancer Syndrome; Hereditary neoplastic syndrome; Tumor predisposition; Neoplastic Syndromes, Hereditary. Identifiers: Orphanet 140162, MedGen C0027672, MeSH D009386, MONDO:0015356.
Breast-ovarian cancer, familial, susceptibility to, 1 (BROVCA1). Also called: OVARIAN CANCER, SUSCEPTIBILITY TO; BRCA1 Hereditary Breast and Ovarian Cancer. Identifiers: Orphanet 145, MedGen C2676676, MONDO:0011450, OMIM 604370. Disease mechanism: loss of function.

Submissions (5):

Evidence-based Network for the Interpretation of Germline Mutant Alleles (ENIGMA)
Classification: Likely benign for Breast-ovarian cancer, familial, susceptibility to, 1. Last evaluated: 2017-06-29. Review status: reviewed by expert panel. Criteria: ENIGMA BRCA1/2 Classification Criteria (2017-06-29). Collection method: curation. Allele origin: germline.
Comment: Synonymous substitution variant, with low bioinformatic likelihood to result in a splicing aberration (Splicing prior probability 0.02).

All of Us Research Program, National Institutes of Health
Classification: Likely benign for Breast-ovarian cancer, familial, susceptibility to, 1. Last evaluated: 2023-06-08. Review status: criteria provided, single submitter. Criteria: ACMG Guidelines, 2015. Collection method: clinical testing. Allele origin: germline. Inheritance: Autosomal dominant inheritance. Observed: 1 variant allele, 1 heterozygote. Not counted in ClinVar's aggregate classification.
Comment: This study involves interpretation of variants in research participants for the purpose of population health screening. Participant phenotype was not available at the time of variant classification. Additional details can be found in publication PMID: 35346344, PMCID: PMC8962531

Labcorp Genetics (formerly Invitae), Labcorp
Classification: Likely benign for Hereditary breast ovarian cancer syndrome. Last evaluated: 2022-06-19. Review status: criteria provided, single submitter. Criteria: Invitae Variant Classification Sherloc (09022015). Collection method: clinical testing. Allele origin: germline. Not counted in ClinVar's aggregate classification.

Color Diagnostics, LLC DBA Color Health
Classification: Likely benign for Hereditary cancer-predisposing syndrome. Last evaluated: 2022-01-14. Review status: criteria provided, single submitter. Criteria: ACMG Guidelines, 2015. Collection method: clinical testing. Allele origin: germline. Not counted in ClinVar's aggregate classification.

Ambry Genetics
Classification: Likely benign for Hereditary cancer-predisposing syndrome. Last evaluated: 2014-09-11. Review status: criteria provided, single submitter. Criteria: Ambry Variant Classification Scheme 2023. Collection method: clinical testing. Allele origin: germline. Not counted in ClinVar's aggregate classification.